The following is an entry in ClinVar:

NM_173602.3(DIP2B):c.1538C>T (p.Pro513Leu)

Gene: DIP2B (disco interacting protein 2 homolog B; plus strand). Cytogenetic location: 12q13.12.
Variant type: single nucleotide variant.
Coding change: c.1538C>T on transcript NM_173602.3 (MANE Select); coding-DNA position 1538, C replaced by T.
Protein change: p.Pro513Leu; replaces proline 513 with leucine.
Molecular consequence: missense variant.
Genome position (GRCh38, 1-based): chr12:50,686,669, C>T. VCF-style: chr12-50686669-C-T. GRCh37 (hg19) VCF-style: chr12-51080452-C-T.
Other names: short protein forms P513L.
Identifiers: ClinVar variation 4535925 (VCV004535925.1).

ClinVar aggregate classification (germline): Uncertain significance (1 of 4 stars; one submission).

gnomAD v4.1: 120 of 1,613,810 alleles (0.0074%); highest among the groups gnomAD compares: South Asian, 0.12%; 3 homozygotes.

Submission:

Women's Health and Genetics/Laboratory Corporation of America, LabCorp
Classification: Uncertain significance. Last evaluated: 2025-09-02. Review status: criteria provided, single submitter. Criteria: LabCorp Variant Classification Summary - May 2015. Collection method: clinical testing. Allele origin: germline.
Comment: Variant summary: DIP2B c.1538C>T (p.Pro513Leu) results in a non-conservative amino acid change in the encoded protein sequence. Algorithms developed to predict the effect of missense changes on protein structure and function are either unavailable or do not agree on the potential impact of this missense change. The variant allele was found at a frequency of 0.00019 in 250984 control chromosomes in the gnomAD database, including 1 homozygotes. This frequency is not significantly higher than estimated for disease-causing variants in DIP2B, allowing no conclusion about variant significance. To our knowledge, no occurrence of c.1538C>T in individuals affected with DIP2B-related conditions and no experimental evidence demonstrating its impact on protein function have been reported. No submitters have cited clinical-significance assessments for this variant to ClinVar. Based on the evidence outlined above, the variant was classified as uncertain significance.